The following is an entry in ClinVar:

NM_000376.3(VDR):c.1186G>A (p.Glu396Lys)

Gene: VDR (vitamin D receptor; minus strand). Cytogenetic location: 12q13.11.
Variant type: single nucleotide variant.
Coding change: c.1186G>A on transcript NM_000376.3 (MANE Select); coding-DNA position 1186, G replaced by A.
Protein change: p.Glu396Lys; replaces glutamic acid 396 with lysine.
Molecular consequence: missense variant.
Genome position (GRCh38, 1-based): chr12:47,844,844, C>T on the plus strand (G>A on the coding strand, the complement: VDR is on the minus strand). VCF-style: chr12-47844844-C-T. GRCh37 (hg19) VCF-style: chr12-48238627-C-T.
Other names: c.1186G>A, p.Glu396Lys (NM_001017535.2, NM_001364085.2, NM_001374661.1 and 1 more transcripts); c.1336G>A, p.Glu446Lys (NM_001017536.2); short protein forms E396K, E446K.
Identifiers: ClinVar variation 2747488 (VCV002747488.4), dbSNP rs2539964996, ClinGen allele CA384514083.

ClinVar aggregate classification (germline): Uncertain significance. Review status: criteria provided, multiple submitters, no conflicts (2 of 4 stars). 2 submissions from 2 submitters: Uncertain significance (2). Last evaluated 2025-06-04.

Allele frequency attached by ClinVar (database versions not stated): gnomAD exomes below 0.00001.
gnomAD v4.1: 1 of 1,614,176 alleles (0.000062%); highest among the groups gnomAD compares: Non-Finnish European, 0.000085%; no homozygotes.

Submissions (2):

Women's Health and Genetics/Laboratory Corporation of America, LabCorp
Classification: Uncertain significance. Last evaluated: 2025-06-04. Review status: criteria provided, single submitter. Criteria: LabCorp Variant Classification Summary - May 2015. Collection method: clinical testing. Allele origin: germline.
Comment: Variant summary: VDR c.1186G>A (p.Glu396Lys) results in a conservative amino acid change in the encoded protein sequence. Algorithms developed to predict the effect of missense changes on protein structure and function are either unavailable or do not agree on the potential impact of this missense change. The variant allele was found at a frequency of 6.2e-07 in 1607202 control chromosomes in the gnomAD database (v4.1 dataset). The available data on variant occurrences in the general population are insufficient to allow any conclusion about variant significance. To our knowledge, no occurrence of c.1186G>A in individuals affected with Vitamin D-Dependent Rickets Type II With Alopecia and no experimental evidence demonstrating its impact on protein function have been reported. ClinVar contains an entry for this variant (Variation ID: 2747488). Based on the evidence outlined above, the variant was classified as uncertain significance.

Labcorp Genetics (formerly Invitae), Labcorp
Classification: Uncertain significance. Last evaluated: 2023-07-27. Review status: criteria provided, single submitter. Criteria: Invitae Variant Classification Sherloc (09022015). Collection method: clinical testing. Allele origin: germline.
Comment: Advanced modeling of protein sequence and biophysical properties (such as structural, functional, and spatial information, amino acid conservation, physicochemical variation, residue mobility, and thermodynamic stability) performed at Invitae indicates that this missense variant is not expected to disrupt VDR protein function. In summary, the available evidence is currently insufficient to determine the role of this variant in disease. Therefore, it has been classified as a Variant of Uncertain Significance. This variant has not been reported in the literature in individuals affected with VDR-related conditions. This sequence change replaces glutamic acid, which is acidic and polar, with lysine, which is basic and polar, at codon 396 of the VDR protein (p.Glu396Lys). This variant is not present in population databases (gnomAD no frequency).